The following is an entry in ClinVar:

NM_001374736.1(DST):c.13709C>A (p.Thr4570Asn)

Gene: DST (dystonin; minus strand). Cytogenetic location: 6p12.1.
Variant type: single nucleotide variant.
Coding change: c.13709C>A on transcript NM_001374736.1 (MANE Select); coding-DNA position 13709, C replaced by A.
Protein change: p.Thr4570Asn; replaces threonine 4570 with asparagine.
Molecular consequence: missense variant.
Genome position (GRCh38, 1-based): chr6:56,572,112, G>T on the plus strand (C>A on the coding strand, the complement: DST is on the minus strand). VCF-style: chr6-56572112-G-T. GRCh37 (hg19) VCF-style: chr6-56436910-G-T.
Other names: c.7352C>A, p.Thr2451Asn (NM_001144769.5); c.6938C>A, p.Thr2313Asn (NM_001144770.2); c.13709C>A, p.Thr4570Asn (NM_001374722.1); c.13076C>A, p.Thr4359Asn (NM_001374729.1); c.6818C>A, p.Thr2273Asn (NM_001374730.1, NM_183380.4); c.13736C>A, p.Thr4579Asn (NM_001374734.1); c.5840C>A, p.Thr1947Asn (NM_015548.5); short protein forms T1947N, T2273N, T4570N, T4359N, T4579N, T2313N, T2451N.
Identifiers: ClinVar variation 970250 (VCV000970250.7), dbSNP rs1448444120, ClinGen allele CA364526104.

ClinVar aggregate classification (germline): Uncertain significance (1 of 4 stars; one submission).

Conditions:
Epidermolysis bullosa simplex 3, localized or generalized intermediate, with BP230 deficiency (EBS3). Also called: Epidermolysis bullosa simplex, autosomal recessive 2; Epidermolysis bullosa simplex due to BP230 deficiency. Identifiers: Orphanet 412181, MedGen C3809470, MONDO:0014180, OMIM 615425.
Hereditary sensory and autonomic neuropathy type 6. Also called: Neuropathy, hereditary sensory and autonomic, type VI; HSAN VI. Identifiers: Orphanet 314381, MedGen C3539003, MONDO:0013839, OMIM 614653.

Allele frequency attached by ClinVar (database versions not stated): gnomAD exomes below 0.00001.
gnomAD v4.1: 2 of 1,494,142 alleles (0.00013%); highest among the groups gnomAD compares: Non-Finnish European, 0.00018%; no homozygotes.

Submission:

Labcorp Genetics (formerly Invitae), Labcorp
Classification: Uncertain significance for Epidermolysis bullosa simplex 3, localized or generalized intermediate, with BP230 deficiency; Hereditary sensory and autonomic neuropathy type 6. Last evaluated: 2023-11-27. Review status: criteria provided, single submitter. Criteria: Invitae Variant Classification Sherloc (09022015). Collection method: clinical testing. Allele origin: germline.
Comment: The DST gene has multiple clinically relevant transcripts. This variant occurs in alternate transcript NM_015548.4, and corresponds to NM_001723.5:c.*43405C>A in the primary transcript. This sequence change replaces threonine, which is neutral and polar, with asparagine, which is neutral and polar, at codon 1947 of the DST protein (p.Thr1947Asn). This variant is not present in population databases (gnomAD no frequency). This variant has not been reported in the literature in individuals affected with DST-related conditions. Experimental studies and prediction algorithms are not available or were not evaluated, and the functional significance of this variant is currently unknown. In summary, the available evidence is currently insufficient to determine the role of this variant in disease. Therefore, it has been classified as a Variant of Uncertain Significance.